The following is an entry in ClinVar:

NM_000297.4(PKD2):c.1153A>G (p.Thr385Ala)

Gene: PKD2 (polycystin 2, transient receptor potential cation channel; plus strand). Cytogenetic location: 4q22.1.
Variant type: single nucleotide variant.
Coding change: c.1153A>G on transcript NM_000297.4 (MANE Select); coding-DNA position 1153, A replaced by G.
Protein change: p.Thr385Ala; replaces threonine 385 with alanine.
Molecular consequence: missense variant. On other transcripts: non-coding transcript variant (1).
Genome position (GRCh38, 1-based): chr4:88,043,291, A>G. VCF-style: chr4-88043291-A-G. GRCh37 (hg19) VCF-style: chr4-88964443-A-G.
Other names: short protein forms T385A.
Identifiers: ClinVar variation 1065574 (VCV001065574.7), dbSNP rs1331921848, ClinGen allele CA357615518.

ClinVar aggregate classification (germline): Conflicting classifications of pathogenicity. Review status: criteria provided, conflicting classifications (1 of 4 stars). 3 submissions from 3 submitters: Uncertain significance (2); Likely benign (1). Last evaluated 2024-06-12.

Conditions:
Autosomal dominant polycystic kidney disease. Identifiers: Orphanet 730, MedGen C0085413, MONDO:0004691.
Polycystic kidney disease 2 (PKD2). Also called: Polycystic Kidney Disease 2, Autosomal Dominant; POLYCYSTIC KIDNEY DISEASE 2 WITH OR WITHOUT POLYCYSTIC LIVER DISEASE; POLYCYSTIC KIDNEY DISEASE, ADULT, TYPE II. Identifiers: MedGen C2751306, MONDO:0013131, OMIM 613095.
Inborn genetic diseases. Identifiers: MedGen C0950123, MeSH D030342.

Allele frequency attached by ClinVar (database versions not stated): gnomAD exomes below 0.00001; gnomAD 0.00001.
gnomAD v4.1: 7 of 1,613,620 alleles (0.00043%); highest among the groups gnomAD compares: South Asian, 0.0022%; no homozygotes.

Submissions (3):

Labcorp Genetics (formerly Invitae), Labcorp
Classification: Uncertain significance for Autosomal dominant polycystic kidney disease. Last evaluated: 2024-06-12. Review status: criteria provided, single submitter. Criteria: Invitae Variant Classification Sherloc (09022015). Collection method: clinical testing. Allele origin: germline.
Comment: This sequence change replaces threonine, which is neutral and polar, with alanine, which is neutral and non-polar, at codon 385 of the PKD2 protein (p.Thr385Ala). This variant is present in population databases (no rsID available, gnomAD 0.003%). This variant has not been reported in the literature in individuals affected with PKD2-related conditions. ClinVar contains an entry for this variant (Variation ID: 1065574). Advanced modeling of protein sequence and biophysical properties (such as structural, functional, and spatial information, amino acid conservation, physicochemical variation, residue mobility, and thermodynamic stability) performed at Invitae indicates that this missense variant is not expected to disrupt PKD2 protein function with a negative predictive value of 80%. In summary, the available evidence is currently insufficient to determine the role of this variant in disease. Therefore, it has been classified as a Variant of Uncertain Significance.

Ambry Genetics
Classification: Uncertain significance for Inborn genetic diseases. Last evaluated: 2024-01-25. Review status: criteria provided, single submitter. Criteria: Ambry Variant Classification Scheme 2023. Collection method: clinical testing. Allele origin: germline.

Johns Hopkins Genomics, Johns Hopkins University
Classification: Likely benign for Polycystic kidney disease 2. Last evaluated: 2021-04-26. Review status: criteria provided, single submitter. Criteria: ACMG Guidelines, 2015. Collection method: clinical testing. Allele origin: germline.